The following is an entry in ClinVar:

NM_005883.3(APC2):c.5225A>C (p.Glu1742Ala)

Gene: APC2 (APC regulator of Wnt signaling pathway 2; plus strand). Cytogenetic location: 19p13.3.
Variant type: single nucleotide variant.
Coding change: c.5225A>C on transcript NM_005883.3 (MANE Select); coding-DNA position 5225, A replaced by C.
Protein change: p.Glu1742Ala; replaces glutamic acid 1742 with alanine.
Molecular consequence: missense variant.
Genome position (GRCh38, 1-based): chr19:1,468,526, A>C. VCF-style: chr19-1468526-A-C. GRCh37 (hg19) VCF-style: chr19-1468525-A-C.
Other names: c.5222A>C, p.Glu1741Ala (NM_001351273.1); short protein forms E1741A, E1742A.
Identifiers: ClinVar variation 1721412 (VCV001721412.5), dbSNP rs760091657, ClinGen allele CA403040070.

ClinVar aggregate classification (germline): Uncertain significance (1 of 4 stars; one submission).

gnomAD v4.1: 1 of 1,602,482 alleles (0.000062%); highest among the groups gnomAD compares: Non-Finnish European, 0.000085%; no homozygotes.

Submission:

Labcorp Genetics (formerly Invitae), Labcorp
Classification: Uncertain significance. Last evaluated: 2022-10-13. Review status: criteria provided, single submitter. Criteria: Invitae Variant Classification Sherloc (09022015). Collection method: clinical testing. Allele origin: germline.
Comment: This sequence change replaces glutamic acid, which is acidic and polar, with alanine, which is neutral and non-polar, at codon 1742 of the APC2 protein (p.Glu1742Ala). This variant is not present in population databases (gnomAD no frequency). This variant has not been reported in the literature in individuals affected with APC2-related conditions. Algorithms developed to predict the effect of missense changes on protein structure and function output the following: SIFT: "Tolerated"; PolyPhen-2: "Benign"; Align-GVGD: "Class C0". The alanine amino acid residue is found in multiple mammalian species, which suggests that this missense change does not adversely affect protein function. In summary, the available evidence is currently insufficient to determine the role of this variant in disease. Therefore, it has been classified as a Variant of Uncertain Significance.